The following is an entry in ClinVar:

NM_032229.3(SLITRK6):c.1188C>A (p.Asn396Lys)

Gene: SLITRK6 (SLIT and NTRK like family member 6; minus strand). Cytogenetic location: 13q31.1.
Variant type: single nucleotide variant.
Coding change: c.1188C>A on transcript NM_032229.3 (MANE Select); coding-DNA position 1188, C replaced by A.
Protein change: p.Asn396Lys; replaces asparagine 396 with lysine.
Molecular consequence: missense variant.
Genome position (GRCh38, 1-based): chr13:85,795,321, G>T on the plus strand (C>A on the coding strand, the complement: SLITRK6 is on the minus strand). VCF-style: chr13-85795321-G-T. GRCh37 (hg19) VCF-style: chr13-86369456-G-T.
Other names: short protein forms N396K.
Identifiers: ClinVar variation 1509604 (VCV001509604.8), dbSNP rs201750109, ClinGen allele CA388376986.

ClinVar aggregate classification (germline): Uncertain significance (1 of 4 stars; one submission).

Allele frequency attached by ClinVar (database versions not stated): TOPMed below 0.00001.

Submission:

Labcorp Genetics (formerly Invitae), Labcorp
Classification: Uncertain significance. Last evaluated: 2021-02-13. Review status: criteria provided, single submitter. Criteria: Invitae Variant Classification Sherloc (09022015). Collection method: clinical testing. Allele origin: germline.
Comment: This sequence change replaces asparagine with lysine at codon 396 of the SLITRK6 protein (p.Asn396Lys). The asparagine residue is moderately conserved and there is a moderate physicochemical difference between asparagine and lysine. This variant is not present in population databases (ExAC no frequency). This variant has not been reported in the literature in individuals with SLITRK6-related conditions. Algorithms developed to predict the effect of missense changes on protein structure and function are either unavailable or do not agree on the potential impact of this missense change (SIFT: "Deleterious"; PolyPhen-2: "Probably Damaging"; Align-GVGD: "Class C0"). In summary, the available evidence is currently insufficient to determine the role of this variant in disease. Therefore, it has been classified as a Variant of Uncertain Significance.